The following is an entry in ClinVar:

NM_001040151.2(SCN3B):c.291C>G (p.Ser97Arg)

Gene: SCN3B (sodium voltage-gated channel beta subunit 3; minus strand). Cytogenetic location: 11q24.1.
Variant type: single nucleotide variant.
Coding change: c.291C>G on transcript NM_001040151.2 (MANE Select); coding-DNA position 291, C replaced by G.
Protein change: p.Ser97Arg; replaces serine 97 with arginine.
Molecular consequence: missense variant.
Genome position (GRCh38, 1-based): chr11:123,642,600, G>C on the plus strand (C>G on the coding strand, the complement: SCN3B is on the minus strand). VCF-style: chr11-123642600-G-C. GRCh37 (hg19) VCF-style: chr11-123513308-G-C.
Other names: c.291C>G, p.Ser97Arg (NM_018400.4); short protein forms S97R.
Identifiers: ClinVar variation 2448567 (VCV002448567.4), dbSNP rs1955805512, ClinGen allele CA383071862.

ClinVar aggregate classification (germline): Uncertain significance. Review status: criteria provided, multiple submitters, no conflicts (2 of 4 stars). 2 submissions from 2 submitters: Uncertain significance (2). Last evaluated 2024-05-16.

Conditions:
Cardiovascular phenotype. Identifiers: MedGen CN230736.
Brugada syndrome 7 (BRGDA7). Identifiers: Orphanet 130, MedGen C2751088, MONDO:0013146, OMIM 613120.

Submissions (2):

Labcorp Genetics (formerly Invitae), Labcorp
Classification: Uncertain significance for Brugada syndrome 7. Last evaluated: 2024-05-16. Review status: criteria provided, single submitter. Criteria: Invitae Variant Classification Sherloc (09022015). Collection method: clinical testing. Allele origin: germline.
Comment: This sequence change replaces serine, which is neutral and polar, with arginine, which is basic and polar, at codon 97 of the SCN3B protein (p.Ser97Arg). This variant is not present in population databases (gnomAD no frequency). This variant has not been reported in the literature in individuals affected with SCN3B-related conditions. ClinVar contains an entry for this variant (Variation ID: 2448567). An algorithm developed to predict the effect of missense changes on protein structure and function (PolyPhen-2) suggests that this variant is likely to be disruptive. In summary, the available evidence is currently insufficient to determine the role of this variant in disease. Therefore, it has been classified as a Variant of Uncertain Significance.

Ambry Genetics
Classification: Uncertain significance for Cardiovascular phenotype. Last evaluated: 2023-02-23. Review status: criteria provided, single submitter. Criteria: Ambry Variant Classification Scheme 2023. Collection method: clinical testing. Allele origin: germline.
Comment: The p.S97R variant (also known as c.291C>G), located in coding exon 3 of the SCN3B gene, results from a C to G substitution at nucleotide position 291. The serine at codon 97 is replaced by arginine, an amino acid with dissimilar properties. This amino acid position is conserved. In addition, the in silico prediction for this alteration is inconclusive. Since supporting evidence is limited at this time, the clinical significance of this alteration remains unclear.